The following is an entry in ClinVar:

ClinVar aggregate classification (germline): Uncertain significance (1 of 4 stars; one submission).

Conditions:
Cone-rod dystrophy 6 (CORD6). Also called: Cone dystrophy progressive; RETINAL CONE DYSTROPHY 2. Identifiers: Orphanet 1872, MedGen C1866293, MONDO:0011143, OMIM 601777.
Leber congenital amaurosis 1 (LCA1). Also called: AMAUROSIS CONGENITA OF LEBER I; Congenital absence of the rods and cones; Leber's congenital tapetoretinal degeneration; Leber's congenital tapetoretinal dysplasia; RETINAL BLINDNESS, CONGENITAL. Identifiers: Orphanet 65, MedGen C2931258, MONDO:0008764, OMIM 204000.

gnomAD v4.1: 1 of 1,592,972 alleles (0.000063%); highest among the groups gnomAD compares: Non-Finnish European, 0.000085%; no homozygotes.

Submission:

Labcorp Genetics (formerly Invitae), Labcorp
Classification: Uncertain significance for Leber congenital amaurosis 1; Cone-rod dystrophy 6. Last evaluated: 2021-09-01. Review status: criteria provided, single submitter. Criteria: Invitae Variant Classification Sherloc (09022015). Collection method: clinical testing. Allele origin: germline.
Comment: This sequence change replaces leucine with valine at codon 338 of the GUCY2D protein (p.Leu338Val). The leucine residue is highly conserved and there is a small physicochemical difference between leucine and valine. This variant is not present in population databases (ExAC no frequency). This variant has not been reported in the literature in individuals affected with GUCY2D-related conditions. Algorithms developed to predict the effect of missense changes on protein structure and function (SIFT, PolyPhen-2, Align-GVGD) all suggest that this variant is likely to be disruptive. In summary, the available evidence is currently insufficient to determine the role of this variant in disease. Therefore, it has been classified as a Variant of Uncertain Significance.

NM_000180.4(GUCY2D):c.1012C>G (p.Leu338Val)

Gene: GUCY2D (guanylate cyclase 2D, retinal; plus strand). Cytogenetic location: 17p13.1.
Variant type: single nucleotide variant.
Coding change: c.1012C>G on transcript NM_000180.4 (MANE Select); coding-DNA position 1012, C replaced by G.
Protein change: p.Leu338Val; replaces leucine 338 with valine.
Molecular consequence: missense variant.
Genome position (GRCh38, 1-based): chr17:8,004,142, C>G. VCF-style: chr17-8004142-C-G. GRCh37 (hg19) VCF-style: chr17-7907460-C-G.
Other names: short protein forms L338V.
Identifiers: ClinVar variation 1059905 (VCV001059905.6), dbSNP rs2151799779, ClinGen allele CA397946445.